The following is an entry in ClinVar:

ClinVar aggregate classification (germline): Likely benign (0 of 4 stars; one submission).

Conditions:
PPP2R3A-related disorder. Also called: PPP2R3A-related condition.

Allele frequency attached by ClinVar (database versions not stated): 1000 Genomes Project 30x 0.00234; 1000 Genomes Project 0.00260; TOPMed 0.00538; ESP Exome Variant Server 0.00592; gnomAD 0.00597; ExAC 0.00604; gnomAD exomes 0.00778.
gnomAD v4.1: 12,122 of 1,609,208 alleles (0.75%); highest among the groups gnomAD compares: Non-Finnish European, 0.9%; 77 homozygotes.

Submission:

PreventionGenetics, part of Exact Sciences
Classification: Likely benign for PPP2R3A-related condition. Last evaluated: 2019-03-08. Review status: no assertion criteria provided. Collection method: clinical testing. Allele origin: germline.
Comment: This variant is classified as likely benign based on ACMG/AMP sequence variant interpretation guidelines (Richards et al. 2015 PMID: 25741868, with internal and published modifications).

NM_002718.5(PPP2R3A):c.2568A>G (p.Thr856=)

Gene: PPP2R3A (protein phosphatase 2 regulatory subunit B''alpha; plus strand). Cytogenetic location: 3q22.3.
Variant type: single nucleotide variant.
Coding change: c.2568A>G on transcript NM_002718.5 (MANE Select); coding-DNA position 2568, A replaced by G.
Protein change: p.Thr856=; no amino-acid change (threonine 856 retained).
Molecular consequence: synonymous variant.
Genome position (GRCh38, 1-based): chr3:136,078,390, A>G. VCF-style: chr3-136078390-A-G. GRCh37 (hg19) VCF-style: chr3-135797232-A-G.
Other names: c.360A>G, p.Thr120= (NM_001190447.2); c.705A>G, p.Thr235= (NM_181897.3).
Identifiers: ClinVar variation 3042012 (VCV003042012.2), dbSNP rs61756431, ClinGen allele CA2630891.